The following is an entry in ClinVar:

ClinVar aggregate classification (germline): Uncertain significance (1 of 4 stars; one submission).

Conditions:
Long QT syndrome (LQTS). Identifiers: MedGen C0023976, MeSH D008133, MONDO:0002442. Disease mechanism: loss of function. Inheritance: Various modes of inheritance.

Allele frequency attached by ClinVar (database versions not stated): gnomAD exomes below 0.00001.
gnomAD v4.1: 1 of 1,614,092 alleles (0.000062%); highest among the groups gnomAD compares: Non-Finnish European, 0.000085%; no homozygotes.

Submission:

Labcorp Genetics (formerly Invitae), Labcorp
Classification: Uncertain significance for Long QT syndrome. Last evaluated: 2025-03-07. Review status: criteria provided, single submitter. Criteria: Invitae Variant Classification Sherloc (09022015). Collection method: clinical testing. Allele origin: germline.
Comment: This sequence change replaces aspartic acid, which is acidic and polar, with asparagine, which is neutral and polar, at codon 3201 of the AKAP9 protein (p.Asp3201Asn). This variant is not present in population databases (gnomAD no frequency). This variant has not been reported in the literature in individuals affected with AKAP9-related conditions. ClinVar contains an entry for this variant (Variation ID: 2782887). An algorithm developed to predict the effect of missense changes on protein structure and function (PolyPhen-2) suggests that this variant is likely to be disruptive. In summary, the available evidence is currently insufficient to determine the role of this variant in disease. Therefore, it has been classified as a Variant of Uncertain Significance.

NM_005751.5(AKAP9):c.9601G>A (p.Asp3201Asn)

Gene: AKAP9 (A-kinase anchoring protein 9; plus strand). Cytogenetic location: 7q21.2.
Variant type: single nucleotide variant.
Coding change: c.9601G>A on transcript NM_005751.5 (MANE Select); coding-DNA position 9601, G replaced by A.
Protein change: p.Asp3201Asn; replaces aspartic acid 3201 with asparagine.
Molecular consequence: missense variant.
Genome position (GRCh38, 1-based): chr7:92,095,045, G>A. VCF-style: chr7-92095045-G-A. GRCh37 (hg19) VCF-style: chr7-91724359-G-A.
Other names: c.4246G>A, p.Asp1416Asn (NM_001379277.1); c.9577G>A, p.Asp3193Asn (NM_147185.3); short protein forms D1416N, D3193N, D3201N.
Identifiers: ClinVar variation 2782887 (VCV002782887.3), dbSNP rs2535294652, ClinGen allele CA368149151.
Genomic context (GRCh38, chr7:92,095,045, plus strand): 5'-CATAGCTTTATGGAAATTCATTTGTCTTTCTGACTTAGGTTGGAAGTTAAAGATAAGACA[G>A]ATGAAGTACATTTGCTTAATGACACATTAGCAAGTGAACAGAAAAAATCAAGAGAGCTCC-3'
Protein context (NP_005742.4, residues 3191-3211): AFRLEVKDKT[Asp3201Asn]EVHLLNDTLA